The following is an entry in ClinVar:

ClinVar aggregate classification (germline): Pathogenic (1 of 4 stars; one submission).

Conditions:
Pseudohypoparathyroidism type 1B (PHP1B). Also called: PHP IB; Pseudohypoparathyroidism Ib (PHP-Ib); Pseudohypoparathyroidism Type IB. Identifiers: Orphanet 94089, MedGen C1864100, MONDO:0011301, OMIM 603233.

Submission:

Centre for Mendelian Genomics, University Medical Centre Ljubljana
Classification: Pathogenic for Pseudohypoparathyroidism type 1B. Last evaluated: 2019-12-09. Review status: criteria provided, single submitter. Criteria: ACMG Guidelines, 2015. Collection method: clinical testing. Allele origin: unknown. Affected: yes.
Comment: This variant was classified as: Pathogenic. The following ACMG criteria were applied in classifying this variant: PVS1,PM2,PP4.

NM_000516.7(GNAS):c.296del (p.Leu99fs)

Gene: GNAS (GNAS complex locus; plus strand). Cytogenetic location: 20q13.32.
Variant type: Deletion.
Coding change: c.296del on transcript NM_000516.7 (MANE Select); coding-DNA position 296, one base deleted (T; older notation c.296delT).
Protein change: p.Leu99fs; shifts the reading frame from leucine 99.
Molecular consequence: frameshift variant. On other transcripts: 3 prime UTR variant (2).
Genome position (GRCh38, 1-based): chr20:58,903,569, T deleted. VCF-style (leftmost placement, unchanged base first): chr20-58903568-CT-C. GRCh37 (hg19) VCF-style: chr20-57478623-CT-C.
Other names: c.299del, p.Leu100fs (NM_001077488.5); c.251del, p.Leu84fs (NM_001077489.4); c.*157del (NM_001077490.3); c.119del, p.Leu40fs (NM_001309840.2, NM_001309861.2); c.*202del (NM_016592.5); c.2225del, p.Leu742fs (NM_080425.4); c.254del, p.Leu85fs (NM_080426.4); short protein forms L84fs, L85fs, L40fs, L742fs, L100fs, L99fs.
Identifiers: ClinVar variation 930857 (VCV000930857.3), dbSNP rs2090829910, ClinGen allele CA1139666755.